The following is an entry in ClinVar:

NM_000264.5(PTCH1):c.3379C>G (p.Leu1127Val)

Gene: PTCH1 (patched 1; minus strand). Cytogenetic location: 9q22.32.
Variant type: single nucleotide variant.
Coding change: c.3379C>G on transcript NM_000264.5 (MANE Select); coding-DNA position 3379, C replaced by G.
Protein change: p.Leu1127Val; replaces leucine 1127 with valine.
Molecular consequence: missense variant. On other transcripts: non-coding transcript variant (1).
Genome position (GRCh38, 1-based): chr9:95,453,548, G>C on the plus strand (C>G on the coding strand, the complement: PTCH1 is on the minus strand). VCF-style: chr9-95453548-G-C. GRCh37 (hg19) VCF-style: chr9-98215830-G-C.
Other names: c.3181C>G, p.Leu1061Val (NM_001083602.3); c.3376C>G, p.Leu1126Val (NM_001083603.3); c.2926C>G, p.Leu976Val (NM_001083604.3, NM_001083605.3, NM_001083606.3 and 1 more transcripts); c.3223C>G, p.Leu1075Val (NM_001354918.2); short protein forms L1127V, L1061V, L1075V, L1126V, L976V.
Identifiers: ClinVar variation 1730790 (VCV001730790.2), dbSNP rs1032072492, ClinGen allele CA374111788.

ClinVar aggregate classification (germline): Uncertain significance (1 of 4 stars; one submission).

Conditions:
Hereditary cancer-predisposing syndrome. Also called: Neoplastic Syndromes, Hereditary; Tumor predisposition; Hereditary Cancer Syndrome; Hereditary neoplastic syndrome. Identifiers: Orphanet 140162, MedGen C0027672, MeSH D009386, MONDO:0015356.

Allele frequency attached by ClinVar (database versions not stated): TOPMed below 0.00001.

Submission:

Ambry Genetics
Classification: Uncertain significance for Hereditary cancer-predisposing syndrome. Last evaluated: 2021-07-20. Review status: criteria provided, single submitter. Criteria: Ambry Variant Classification Scheme 2023. Collection method: clinical testing. Allele origin: germline.
Comment: The p.L1127V variant (also known as c.3379C>G), located in coding exon 20 of the PTCH1 gene, results from a C to G substitution at nucleotide position 3379. The leucine at codon 1127 is replaced by valine, an amino acid with highly similar properties. This amino acid position is highly conserved in available vertebrate species. In addition, this alteration is predicted to be deleterious by in silico analysis. Since supporting evidence is limited at this time, the clinical significance of this alteration remains unclear.